The following is an entry in ClinVar:

NM_000059.4(BRCA2):c.2725C>T (p.Leu909Phe)

Gene: BRCA2 (BRCA2 DNA repair associated; plus strand). Cytogenetic location: 13q13.1.
Variant type: single nucleotide variant.
Coding change: c.2725C>T on transcript NM_000059.4 (MANE Select); coding-DNA position 2725, C replaced by T.
Protein change: p.Leu909Phe; replaces leucine 909 with phenylalanine.
Molecular consequence: missense variant.
Genome position (GRCh38, 1-based): chr13:32,337,080, C>T. VCF-style: chr13-32337080-C-T. GRCh37 (hg19) VCF-style: chr13-32911217-C-T.
Other names: short protein forms L909F.
Identifiers: ClinVar variation 631312 (VCV000631312.18), dbSNP rs876660858, ClinGen allele CA387773587.

ClinVar aggregate classification (germline): Conflicting classifications of pathogenicity. Review status: criteria provided, conflicting classifications (1 of 4 stars). 6 submissions from 6 submitters: Uncertain significance (4); Likely benign (2). Last evaluated 2025-02-10.

Conditions:
Hereditary cancer-predisposing syndrome. Also called: Tumor predisposition; Neoplastic Syndromes, Hereditary; Hereditary Cancer Syndrome; Hereditary neoplastic syndrome. Identifiers: Orphanet 140162, MedGen C0027672, MeSH D009386, MONDO:0015356.
Hereditary breast ovarian cancer syndrome. Also called: Hereditary breast and ovarian cancer; Hereditary breast and ovarian cancer syndrome; Breast and ovarian cancer; Hereditary breast and/or ovarian cancer syndrome; BRCA1- and BRCA2-Associated Hereditary Breast and Ovarian Cancer; Hereditary breast and ovarian cancer syndrome (HBOC). Identifiers: Orphanet 145, MedGen C0677776, MeSH D061325, MONDO:0003582. Disease mechanism: loss of function.

Submissions (6):

Labcorp Genetics (formerly Invitae), Labcorp
Classification: Uncertain significance for Hereditary breast ovarian cancer syndrome. Last evaluated: 2025-02-10. Review status: criteria provided, single submitter. Criteria: Invitae Variant Classification Sherloc (09022015). Collection method: clinical testing. Allele origin: germline.
Comment: This sequence change replaces leucine, which is neutral and non-polar, with phenylalanine, which is neutral and non-polar, at codon 909 of the BRCA2 protein (p.Leu909Phe). This variant is not present in population databases (gnomAD no frequency). This variant has not been reported in the literature in individuals affected with BRCA2-related conditions. ClinVar contains an entry for this variant (Variation ID: 631312). Invitae Evidence Modeling of protein sequence and biophysical properties (such as structural, functional, and spatial information, amino acid conservation, physicochemical variation, residue mobility, and thermodynamic stability) indicates that this missense variant is not expected to disrupt BRCA2 protein function with a negative predictive value of 95%. In summary, the available evidence is currently insufficient to determine the role of this variant in disease. Therefore, it has been classified as a Variant of Uncertain Significance.

Ambry Genetics
Classification: Likely benign for Hereditary cancer-predisposing syndrome. Last evaluated: 2024-05-23. Review status: criteria provided, single submitter. Criteria: Ambry Variant Classification Scheme 2023. Collection method: clinical testing. Allele origin: germline.

GeneDx
Classification: Uncertain significance. Last evaluated: 2024-02-11. Review status: criteria provided, single submitter. Criteria: GeneDx Variant Classification Process June 2021. Collection method: clinical testing. Allele origin: germline. Affected: yes.
Comment: Not observed at significant frequency in large population cohorts (gnomAD); In silico analysis supports that this missense variant has a deleterious effect on protein structure/function; Has not been previously published as pathogenic or benign to our knowledge; Also known as 2953C>T; This variant is associated with the following publications: (PMID: 31911673)

University of Washington Department of Laboratory Medicine, University of Washington
Classification: Likely benign for Hereditary cancer-predisposing syndrome. Last evaluated: 2023-03-23. Review status: criteria provided, single submitter. Criteria: Dines et al. (Genet Med. 2020). Collection method: curation. Allele origin: germline.
Comment: Missense variant in a coldspot region where missense variants are very unlikely to be pathogenic (PMID:31911673).

BRCA2 exon 11 coldspot. Reclassification based on statistical prior probability.

Blueprint Genetics
Classification: Uncertain significance. Last evaluated: 2020-06-11. Review status: criteria provided, single submitter. Criteria: ACMG Guidelines, 2015. Collection method: clinical testing. Allele origin: germline.

Color Diagnostics, LLC DBA Color Health
Classification: Uncertain significance for Hereditary cancer-predisposing syndrome. Last evaluated: 2019-04-19. Review status: criteria provided, single submitter. Criteria: ACMG Guidelines, 2015. Collection method: clinical testing. Allele origin: germline.